The following is an entry in ClinVar:

NM_004629.2(FANCG):c.777+1G>A

Gene: FANCG (FA complementation group G; minus strand). Cytogenetic location: 9p13.3.
Variant type: single nucleotide variant.
Coding change: c.777+1G>A on transcript NM_004629.2 (MANE Select); the canonical splice donor site of the intron after coding-DNA position 777, G replaced by A.
Molecular consequence: splice donor variant.
Genome position (GRCh38, 1-based): chr9:35,076,970, C>T on the plus strand (G>A on the coding strand, the complement: FANCG is on the minus strand). VCF-style: chr9-35076970-C-T. GRCh37 (hg19) VCF-style: chr9-35076967-C-T.
Identifiers: ClinVar variation 408131 (VCV000408131.7), dbSNP rs1060501862, ClinGen allele CA16612725.

ClinVar aggregate classification (germline): Likely pathogenic (1 of 4 stars; one submission).

Conditions:
Fanconi anemia (FA). Also called: Fanconi's anemia. Identifiers: Orphanet 84, MedGen C0015625, MeSH D005199, MONDO:0019391.

Allele frequency attached by ClinVar (database versions not stated): gnomAD exomes below 0.00001.
gnomAD v4.1: 3 of 1,614,204 alleles (0.00019%); highest among the groups gnomAD compares: Non-Finnish European, 0.00025%; no homozygotes.

Submission:

Labcorp Genetics (formerly Invitae), Labcorp
Classification: Likely pathogenic for Fanconi anemia. Last evaluated: 2018-02-08. Review status: criteria provided, single submitter. Criteria: Invitae Variant Classification Sherloc (09022015). Collection method: clinical testing. Allele origin: germline.
Comment: This variant is not present in population databases (ExAC no frequency). This sequence change affects a donor splice site in intron 6 of the FANCG gene. It is expected to disrupt RNA splicing and likely results in an absent or disrupted protein product. This variant has not been reported in the literature in individuals with FANCG-related disease. In summary, the currently available evidence indicates that the variant is pathogenic, but additional data are needed to prove that conclusively. Therefore, this variant has been classified as Likely Pathogenic. Donor and acceptor splice site variants typically lead to a loss of protein function (PMID: 16199547), and loss-of-function variants in FANCG are known to be pathogenic (PMID: 12552564).

Literature cited by the submitters: PubMed 16199547; PubMed 12552564.